The following is an entry in ClinVar:

NM_014874.4(MFN2):c.475-4T>G

Gene: MFN2 (mitofusin 2; plus strand). Cytogenetic location: 1p36.22.
Variant type: single nucleotide variant.
Coding change: c.475-4T>G on transcript NM_014874.4 (MANE Select); 4 bases into the intron before coding-DNA position 475, T replaced by G.
Molecular consequence: intron variant.
Genome position (GRCh38, 1-based): chr1:11,997,293, T>G. VCF-style: chr1-11997293-T-G. GRCh37 (hg19) VCF-style: chr1-12057350-T-G.
Other names: c.475-4T>G (NM_001127660.2).
Identifiers: ClinVar variation 3715951 (VCV003715951.2).

ClinVar aggregate classification (germline): Uncertain significance (1 of 4 stars; one submission).

Conditions:
Charcot-Marie-Tooth disease type 2. Also called: Charcot-Marie-Tooth type 2. Identifiers: Orphanet 64746, MedGen C0270914, MONDO:0018993.

Submission:

Labcorp Genetics (formerly Invitae), Labcorp
Classification: Uncertain significance for Charcot-Marie-Tooth disease type 2. Last evaluated: 2025-02-23. Review status: criteria provided, single submitter. Criteria: Invitae Variant Classification Sherloc (09022015). Collection method: clinical testing. Allele origin: germline.
Comment: This sequence change falls in intron 5 of the MFN2 gene. It does not directly change the encoded amino acid sequence of the MFN2 protein. This variant is not present in population databases (gnomAD no frequency). This variant has not been reported in the literature in individuals affected with MFN2-related conditions. Algorithms developed to predict the effect of sequence changes on RNA splicing suggest that this variant may create or strengthen a splice site. In summary, the available evidence is currently insufficient to determine the role of this variant in disease. Therefore, it has been classified as a Variant of Uncertain Significance.